The following is an entry in ClinVar:

NM_001267550.2(TTN):c.43213+4T>C

Gene: TTN (titin; minus strand). Cytogenetic location: 2q31.2.
Variant type: single nucleotide variant.
Coding change: c.43213+4T>C on transcript NM_001267550.2 (MANE Select); 4 bases into the intron after coding-DNA position 43213, T replaced by C.
Molecular consequence: intron variant.
Genome position (GRCh38, 1-based): chr2:178,632,914, A>G on the plus strand (T>C on the coding strand, the complement: TTN is on the minus strand). VCF-style: chr2-178632914-A-G. GRCh37 (hg19) VCF-style: chr2-179497641-A-G.
Other names: c.16018+4T>C (NM_003319.4); c.16594+4T>C (NM_133437.4); c.16393+4T>C (NM_133432.3); c.35509+4T>C (NM_133378.4); c.38290+4T>C (NM_001256850.1).
Identifiers: ClinVar variation 1776182 (VCV001776182.2), dbSNP rs2471484444, ClinGen allele CA2580065133.
Genomic context (GRCh38, chr2:178,632,914, plus strand): 5'-GCAGGGGTGTATCAGGAAGTCTTGCAGAGAAAATACAAAAACGTGGCTGACAAGTAGAGC[A>G]TACCTTTCACTTTCAGATTGGCTGCAGATTTGGCATTAGCAGCCTGGAAGGAAACCTCTC-3'

ClinVar aggregate classification (germline): Uncertain significance (1 of 4 stars; one submission).

Conditions:
Cardiovascular phenotype. Identifiers: MedGen CN230736.

Submission:

Ambry Genetics
Classification: Uncertain significance for Cardiovascular phenotype. Last evaluated: 2021-09-27. Review status: criteria provided, single submitter. Criteria: Ambry Variant Classification Scheme 2023. Collection method: clinical testing. Allele origin: germline.
Comment: The c.16018+4T>C intronic variant results from a T to C substitution 4 nucleotides after coding exon 61 in the TTN gene. This nucleotide position is poorly conserved in available vertebrate species. In silico splice site analysis predicts that this alteration will not have any significant effect on splicing. Since supporting evidence is limited at this time, the clinical significance of this alteration remains unclear.